The following is an entry in ClinVar:

ClinVar aggregate classification (germline): Likely benign. Review status: criteria provided, single submitter (1 of 4 stars). 2 submissions from 2 submitters: Likely benign (1). 1 of the submissions does not count toward it. Last evaluated 2023-11-10.

Conditions:
PCNT-related disorder. Also called: PCNT-related condition.

Allele frequency attached by ClinVar (database versions not stated): gnomAD exomes 0.00001; TOPMed 0.00003; gnomAD 0.00005.
gnomAD v4.1: 17 of 1,612,526 alleles (0.0011%); highest among the groups gnomAD compares: African/African-American, 0.017%; no homozygotes.

Submissions (2):

Labcorp Genetics (formerly Invitae), Labcorp
Classification: Likely benign. Last evaluated: 2023-11-10. Review status: criteria provided, single submitter. Criteria: Invitae Variant Classification Sherloc (09022015). Collection method: clinical testing. Allele origin: germline.

PreventionGenetics, part of Exact Sciences
Classification: Likely benign for PCNT-related condition. Last evaluated: 2022-03-30. Review status: no assertion criteria provided. Collection method: clinical testing. Allele origin: germline. Not counted in ClinVar's aggregate classification.
Comment: This variant is classified as likely benign based on ACMG/AMP sequence variant interpretation guidelines (Richards et al. 2015 PMID: 25741868, with internal and published modifications).

NM_006031.6(PCNT):c.8292G>A (p.Glu2764=)

Gene: PCNT (pericentrin; plus strand). Cytogenetic location: 21q22.3.
Variant type: single nucleotide variant.
Coding change: c.8292G>A on transcript NM_006031.6 (MANE Select); coding-DNA position 8292, G replaced by A.
Protein change: p.Glu2764=; no amino-acid change (glutamic acid 2764 retained).
Molecular consequence: synonymous variant.
Genome position (GRCh38, 1-based): chr21:46,431,756, G>A. VCF-style: chr21-46431756-G-A. GRCh37 (hg19) VCF-style: chr21-47851670-G-A.
Other names: c.7938G>A, p.Glu2646= (NM_001315529.2); c.8292G>A (NM_006031.5).
Identifiers: ClinVar variation 2966462 (VCV002966462.4), dbSNP rs1004343960, ClinGen allele CA322016681.